The following is an entry in ClinVar:

NM_002206.3(ITGA7):c.2357+1G>A

Genes: ITGA7 (integrin subunit alpha 7; minus strand), LOC126861535 (CDK7 strongly-dependent group 2 enhancer GRCh37_chr12:56087579-56088778; plus strand). Cytogenetic location: 12q13.2.
Variant type: single nucleotide variant.
Coding change: c.2357+1G>A on transcript NM_002206.3 (MANE Select); the canonical splice donor site of the intron after coding-DNA position 2357, G replaced by A.
Molecular consequence: splice donor variant.
Genome position (GRCh38, 1-based): chr12:55,694,442, C>T on the plus strand (G>A on the coding strand, the complement: ITGA7 is on the minus strand). VCF-style: chr12-55694442-C-T. GRCh37 (hg19) VCF-style: chr12-56088226-C-T.
Other names: c.2078+1G>A (NM_001144997.2); c.2030+1G>A (NM_001367993.1); c.2018+1G>A (NM_001414035.1); c.2174+1G>A (NM_001414033.1); c.1013+1G>A (NM_001367994.1); c.2237+1G>A (NM_001414032.1); c.2270+1G>A (NM_001414031.1); c.2339+1G>A (NM_001374465.1); and 5 more.
Identifiers: ClinVar variation 162572 (VCV000162572.18), dbSNP rs200402328, ClinGen allele CA295382.

ClinVar aggregate classification (germline): Conflicting classifications of pathogenicity. Review status: criteria provided, conflicting classifications (1 of 4 stars). 6 submissions from 6 submitters: Pathogenic (3); Likely pathogenic (1); Uncertain significance (1). 1 of the submissions does not count toward it. Last evaluated 2025-05-15.

Conditions:
ITGA7-related disorder. Also called: ITGA7-related condition.
Congenital muscular dystrophy due to integrin alpha-7 deficiency. Also called: Congenital muscular dystrophy with integrin alpha-7 deficiency; Muscular dystrophy, congenital, due to ITGA7 deficiency; MYOPATHY, CONGENITAL, DUE TO INTEGRIN ALPHA-7 DEFICIENCY. Identifiers: Orphanet 34520, MedGen C2750786, MONDO:0013177, OMIM 613204.

Allele frequency attached by ClinVar (database versions not stated): ExAC 0.00002; TOPMed 0.00010; gnomAD exomes 0.00003 and 0.00010; gnomAD 0.00005.
gnomAD v4.1: 154 of 1,614,050 alleles (0.0095%); highest among the groups gnomAD compares: Middle Eastern, 0.016%; no homozygotes.

Submissions (6):

3billion
Classification: Pathogenic for Congenital muscular dystrophy due to integrin alpha-7 deficiency. Last evaluated: 2025-05-15. Review status: criteria provided, single submitter. Criteria: ACMG Guidelines, 2015. Collection method: clinical testing. Allele origin: germline. Affected: yes.
Comment: The variant is observed at an extremely low frequency in the gnomAD v4.1.0 dataset (total allele frequency: 0.010%). Predicted Consequence/Location: Canonical splice site: predicted to alter splicing and result in a loss or disruption of normal protein function. Multiple pathogenic loss-of-function variants are reported downstream of the variant. In silico tools predict the variant to alter splicing and produce an abnormal transcript [SpliceAI: 0.99 (spliceogenicity >=0.2, non-spliceogenicity <0.1)]. The variant has been reported at least twice as pathogenic with clinical assertions and evidence for the classification (ClinVar ID: VCV000162572 /PMID: 36444867). Therefore, this variant is classified as Pathogenic according to the recommendation of ACMG/AMP guideline.

Labcorp Genetics (formerly Invitae), Labcorp
Classification: Pathogenic for Congenital muscular dystrophy due to integrin alpha-7 deficiency. Last evaluated: 2025-04-09. Review status: criteria provided, single submitter. Criteria: Invitae Variant Classification Sherloc (09022015). Collection method: clinical testing. Allele origin: germline.
Comment: This sequence change affects a donor splice site in intron 17 of the ITGA7 gene. It is expected to disrupt RNA splicing. Variants that disrupt the donor or acceptor splice site typically lead to a loss of protein function (PMID: 16199547), and loss-of-function variants in ITGA7 are known to be pathogenic (PMID: 9590299). This variant is present in population databases (rs200402328, gnomAD 0.007%). Disruption of this splice site has been observed in individual(s) with clinical features of autosomal recessive ITGA7-related conditions (PMID: 36444867). ClinVar contains an entry for this variant (Variation ID: 162572). Algorithms developed to predict the effect of sequence changes on RNA splicing suggest that this variant may disrupt the consensus splice site. For these reasons, this variant has been classified as Pathogenic.

Revvity Omics, Revvity
Classification: Likely pathogenic for Congenital muscular dystrophy due to integrin alpha-7 deficiency. Last evaluated: 2024-10-23. Review status: criteria provided, single submitter. Criteria: ACMG Guidelines, 2015. Collection method: clinical testing. Allele origin: germline.

Department of Pathology and Laboratory Medicine, Sinai Health System
Classification: Pathogenic for Congenital muscular dystrophy due to integrin alpha-7 deficiency. Last evaluated: 2023-08-31. Review status: criteria provided, single submitter. Criteria: ACMG Guidelines, 2015. Collection method: research. Allele origin: germline.

GeneDx
Classification: Uncertain significance. Last evaluated: 2018-01-12. Review status: criteria provided, single submitter. Criteria: GeneDx Variant Classification (06012015). Collection method: clinical testing. Allele origin: germline. Affected: yes.
Comment: The c.2357+1G>A variant in the ITGA7 gene has not been reported previously as a pathogenic variant nor as a benign variant, to our knowledge. This splice site variant destroys the canonical splice donor site in intron 17. It is predicted to cause abnormal gene splicing. However, in the absence of RNA/functional studies, the actual effect of c.2357+1G>A in this individual is unknown. The c.2357+1G>A variant is observed in 9/126676 (0.007%) alleles from individuals of non-Finnish European background, in large population cohorts and no individuals were reported to be homozygous (Lek et al., 2016). We interpret c.2357+1G>A as a variant of uncertain significance.

PreventionGenetics, part of Exact Sciences
Classification: Likely pathogenic for ITGA7-related condition. Last evaluated: 2024-05-02. Review status: no assertion criteria provided. Collection method: clinical testing. Allele origin: germline. Not counted in ClinVar's aggregate classification.
Comment: The ITGA7 c.2357+1G>A variant is predicted to disrupt the GT donor site and interfere with normal splicing. To our knowledge, this variant has not been reported in the literature. This variant is reported in 0.0077% of alleles in individuals of European (non-Finnish) descent in gnomAD. Variants that disrupt the consensus splice donor site in ITGA7 are expected to be pathogenic. This variant is interpreted as likely pathogenic.

Literature cited by the submitters: PubMed 36444867 (cited by 3billion and Labcorp Genetics (formerly Invitae), Labcorp); PubMed 16199547 (cited by Labcorp Genetics (formerly Invitae), Labcorp); PubMed 9590299 (cited by Labcorp Genetics (formerly Invitae), Labcorp).